The following is an entry in ClinVar:

ClinVar aggregate classification (germline): Likely benign. Review status: criteria provided, multiple submitters, no conflicts (2 of 4 stars). 2 submissions from 2 submitters: Likely benign (2). Last evaluated 2025-02-12.

Conditions:
Febrile seizures, familial, 8 (FEB8). Also called: CONVULSIONS, FAMILIAL FEBRILE, 8. Identifiers: Orphanet 36387, MedGen C1969810, MONDO:0011891, OMIM 607681.
EPILEPSY, CHILDHOOD ABSENCE, SUSCEPTIBILITY TO, 2 (ECA2). Identifiers: Orphanet 64280, MedGen C1843244, OMIM 607681.

Allele frequency attached by ClinVar (database versions not stated): gnomAD 0.00001 and 0.00002; gnomAD exomes 0.00002; ExAC 0.00003; TOPMed 0.00008.
gnomAD v4.1: 26 of 1,612,470 alleles (0.0016%); highest among the groups gnomAD compares: Admixed American, 0.013%; no homozygotes.

Submissions (2):

Labcorp Genetics (formerly Invitae), Labcorp
Classification: Likely benign for Febrile seizures, familial, 8; EPILEPSY, CHILDHOOD ABSENCE, SUSCEPTIBILITY TO, 2. Last evaluated: 2025-02-12. Review status: criteria provided, single submitter. Criteria: Invitae Variant Classification Sherloc (09022015). Collection method: clinical testing. Allele origin: germline.

GeneDx
Classification: Likely benign. Last evaluated: 2016-09-02. Review status: criteria provided, single submitter. Criteria: GeneDx Variant Classification (06012015). Collection method: clinical testing. Allele origin: germline. Affected: yes.
Comment: This variant is considered likely benign or benign based on one or more of the following criteria: it is a conservative change, it occurs at a poorly conserved position in the protein, it is predicted to be benign by multiple in silico algorithms, and/or has population frequency not consistent with disease.

NM_198904.4(GABRG2):c.1128+14T>C

Gene: GABRG2 (gamma-aminobutyric acid type A receptor subunit gamma2; plus strand). Cytogenetic location: 5q34.
Variant type: single nucleotide variant.
Coding change: c.1128+14T>C on transcript NM_198904.4 (MANE Select); 14 bases into the intron after coding-DNA position 1128, T replaced by C.
Molecular consequence: intron variant.
Genome position (GRCh38, 1-based): chr5:162,149,327, T>C. VCF-style: chr5-162149327-T-C. GRCh37 (hg19) VCF-style: chr5-161576333-T-C.
Other names: c.1128+14T>C (NM_000816.3); c.843+14T>C (NM_001375349.1); c.1248+14T>C (NM_001375343.1, NM_198903.2); c.1167+14T>C (NM_001375344.1); c.923-2403T>C (NM_001375340.1); c.1125+14T>C (NM_001375341.1, NM_001375342.1); c.708+14T>C (NM_001375350.1, NM_001375348.1); c.1119+14T>C (NM_001375339.1); and 2 more.
Identifiers: ClinVar variation 377906 (VCV000377906.9), dbSNP rs779125212, ClinGen allele CA3544875.